The following is an entry in ClinVar:

NM_000540.3(RYR1):c.12012+18C>A

Gene: RYR1 (ryanodine receptor 1; plus strand). Cytogenetic location: 19q13.2.
Variant type: single nucleotide variant.
Coding change: c.12012+18C>A on transcript NM_000540.3 (MANE Select); 18 bases into the intron after coding-DNA position 12012, C replaced by A.
Molecular consequence: intron variant.
Genome position (GRCh38, 1-based): chr19:38,543,893, C>A. VCF-style: chr19-38543893-C-A. GRCh37 (hg19) VCF-style: chr19-39034533-C-A.
Other names: c.11997+18C>A (NM_001042723.2).
Identifiers: ClinVar variation 256416 (VCV000256416.10), dbSNP rs116792069, ClinGen allele CA057992.
Genomic context (GRCh38, chr19:38,543,893, plus strand): 5'-ATTCCTGCACGTGTTCGCCCACATGATGATGAAGCTCGCTCAGGTTCGAGCCCCTCTGGT[C>A]TCCATCCACCTGCTTCCGGGCGTCCCCCAAGTGGTCCATTTCCAAGTCTTGCCCCTTTGG-3'

ClinVar aggregate classification (germline): Benign. Review status: criteria provided, multiple submitters, no conflicts (2 of 4 stars). 4 submissions from 4 submitters: Benign (4). Last evaluated 2026-01-31.

Conditions:
RYR1-related disorder. Also called: RYR1-related disorders; RYR1-related condition. Identifiers: MedGen CN239331.

Allele frequency attached by ClinVar (database versions not stated): gnomAD exomes 0.00139 and 0.00355; ExAC 0.00511; gnomAD 0.01252 and 0.01340; TOPMed 0.01435; ESP Exome Variant Server 0.01476; 1000 Genomes Project 0.01498; 1000 Genomes Project 30x 0.01562.
gnomAD v4.1: 4,044 of 1,608,388 alleles (0.25%); highest among the groups gnomAD compares: African/African-American, 4.5%; 75 homozygotes.

Submissions (4):

Labcorp Genetics (formerly Invitae), Labcorp
Classification: Benign for RYR1-related disorder. Last evaluated: 2026-01-31. Review status: criteria provided, single submitter. Criteria: Invitae Variant Classification Sherloc (09022015). Collection method: clinical testing. Allele origin: germline.

PreventionGenetics, part of Exact Sciences
Classification: Benign. Last evaluated: 2018-03-13. Review status: criteria provided, single submitter. Criteria: ACMG Guidelines, 2015. Collection method: clinical testing. Allele origin: germline.

GeneDx
Classification: Benign. Last evaluated: 2016-07-20. Review status: criteria provided, single submitter. Criteria: GeneDx Variant Classification (06012015). Collection method: clinical testing. Allele origin: germline. Affected: yes.
Comment: This variant is considered likely benign or benign based on one or more of the following criteria: it is a conservative change, it occurs at a poorly conserved position in the protein, it is predicted to be benign by multiple in silico algorithms, and/or has population frequency not consistent with disease.

Breakthrough Genomics
Classification: Benign. Review status: criteria provided, single submitter. Criteria: ACMG Guidelines, 2015. Collection method: not provided. Allele origin: germline. Inheritance: Autosomal recessive inheritance. Affected: yes.